The following is an entry in ClinVar:

NM_000038.6(APC):c.1118C>A (p.Ser373Tyr)

Gene: APC (APC regulator of Wnt signaling pathway; plus strand). Cytogenetic location: 5q22.2.
Variant type: single nucleotide variant.
Coding change: c.1118C>A on transcript NM_000038.6 (MANE Select); coding-DNA position 1118, C replaced by A.
Protein change: p.Ser373Tyr; replaces serine 373 with tyrosine.
Molecular consequence: missense variant. On other transcripts: intron variant (4).
Genome position (GRCh38, 1-based): chr5:112,819,150, C>A. VCF-style: chr5-112819150-C-A. GRCh37 (hg19) VCF-style: chr5-112154847-C-A.
Other names: c.1118C>A, p.Ser373Tyr (NM_001127510.3, NM_001354895.2, NM_001354896.2); c.1064C>A, p.Ser355Tyr (NM_001127511.3); c.1148C>A, p.Ser383Tyr (NM_001354897.2); c.1043C>A, p.Ser348Tyr (NM_001354898.2); c.1034C>A, p.Ser345Tyr (NM_001354899.2); c.941C>A, p.Ser314Tyr (NM_001354900.2, NM_001354901.2); c.269C>A, p.Ser90Tyr (NM_001354906.2); c.964-119C>A (NM_001354902.2); and 3 more; short protein forms S314Y, S345Y, S348Y, S355Y, S373Y, S383Y, S90Y.
Identifiers: ClinVar variation 1026583 (VCV001026583.10), dbSNP rs578054038, ClinGen allele CA16023760.
Genomic context (GRCh38, chr5:112,819,150, plus strand): 5'-TTCCTCTCCTCATCCAGCTTTTACATGGCAATGACAAAGACTCTGTATTGTTGGGAAATT[C>A]CCGGGGCAGTAAAGAGGCTCGGGCCAGGGCCAGTGCAGCACTCCACAACATCATTCACTC-3'
Protein context (NP_000029.2, residues 363-383): NDKDSVLLGN[Ser373Tyr]RGSKEARARA

ClinVar aggregate classification (germline): Uncertain significance (1 of 4 stars; one submission).

Conditions:
Familial adenomatous polyposis 1 (FAP1). Also called: FAMILIAL ADENOMATOUS POLYPOSIS 1, ATTENUATED; POLYPOSIS, ADENOMATOUS INTESTINAL. Identifiers: MedGen C2713442, MONDO:0021056, OMIM 175100. Disease mechanism: loss of function.

Submission:

Labcorp Genetics (formerly Invitae), Labcorp
Classification: Uncertain significance for Familial adenomatous polyposis 1. Last evaluated: 2020-10-22. Review status: criteria provided, single submitter. Criteria: Invitae Variant Classification Sherloc (09022015). Collection method: clinical testing. Allele origin: germline.
Comment: In summary, the available evidence is currently insufficient to determine the role of this variant in disease. Therefore, it has been classified as a Variant of Uncertain Significance. Algorithms developed to predict the effect of missense changes on protein structure and function are either unavailable or do not agree on the potential impact of this missense change (SIFT: "Deleterious"; PolyPhen-2: "Benign"; Align-GVGD: "Class C15"). This variant has not been reported in the literature in individuals with APC-related conditions. This variant is not present in population databases (ExAC no frequency). This sequence change replaces serine with tyrosine at codon 373 of the APC protein (p.Ser373Tyr). The serine residue is highly conserved and there is a large physicochemical difference between serine and tyrosine.